The following is an entry in ClinVar:

NM_001042432.2(CLN3):c.784A>T (p.Lys262Ter)

Gene: CLN3 (CLN3 lysosomal/endosomal transmembrane protein, battenin; minus strand). Cytogenetic location: 16p12.1.
Variant type: single nucleotide variant.
Coding change: c.784A>T on transcript NM_001042432.2 (MANE Select); coding-DNA position 784, A replaced by T.
Protein change: p.Lys262Ter; replaces lysine 262 with a stop codon.
Molecular consequence: nonsense.
Genome position (GRCh38, 1-based): chr16:28,484,012, T>A on the plus strand (A>T on the coding strand, the complement: CLN3 is on the minus strand). VCF-style: chr16-28484012-T-A. GRCh37 (hg19) VCF-style: chr16-28495333-T-A.
Other names: c.784A>T, p.Lys262Ter (NM_000086.2); c.712A>T, p.Lys238Ter (NM_001286104.2); c.484A>T, p.Lys162Ter (NM_001286105.2); c.550A>T, p.Lys184Ter (NM_001286109.2); c.622A>T, p.Lys208Ter (NM_001286110.2); short protein forms K262*, K184*, K162*, K238*, K208*.
Identifiers: ClinVar variation 420007 (VCV000420007.9), dbSNP rs1064794233, ClinGen allele CA16620176.

ClinVar aggregate classification (germline): Pathogenic. Review status: criteria provided, multiple submitters, no conflicts (2 of 4 stars). 5 submissions from 5 submitters: Pathogenic (5). Last evaluated 2025-03-17.

Conditions:
Neuronal ceroid lipofuscinosis 3 (CLN3). Identifiers: Orphanet 228346, MedGen C0751383, MONDO:0008767, OMIM 204200.
Neuronal ceroid lipofuscinosis. Also called: Neuronal Ceroid Lipofuscinoses. Identifiers: Orphanet 216, Orphanet 79263, MedGen C0027877, MONDO:0016295. Disease mechanism: loss of function.
Juvenile neuronal ceroid lipofuscinosis. Also called: Batten Disease. Identifiers: Orphanet 79264, MedGen CN293564, MONDO:0019262.

Allele frequency attached by ClinVar (database versions not stated): gnomAD exomes below 0.00001.
gnomAD v4.1: 1 of 1,607,218 alleles (0.000062%); highest among the groups gnomAD compares: South Asian, 0.0011%; no homozygotes.

Submissions (5):

Natera, Inc.
Classification: Pathogenic for Batten Disease. Last evaluated: 2025-03-17. Review status: criteria provided, single submitter. Criteria: Natera Variant Classification Schema (03/2026). Collection method: clinical testing. Allele origin: germline.
Comment: The c.784A>T variant in CLN3 is a nonsense variant predicted to introduce a stop codon at amino acid 262. This variant is expected to result in nonsense mediated decay, truncation, or a dysfunctional protein product. This variant is rare in the general population with a frequency below the threshold expected for the associated phenotype(s). This variant has been observed in one or more individuals affected with the associated recessive disease, as either homozygous or compound heterozygous with a second variant (PMID: 24625443). Given the available evidence, this variant is classified as Pathogenic.

Labcorp Genetics (formerly Invitae), Labcorp
Classification: Pathogenic for Neuronal ceroid lipofuscinosis. Last evaluated: 2024-05-04. Review status: criteria provided, single submitter. Criteria: Invitae Variant Classification Sherloc (09022015). Collection method: clinical testing. Allele origin: germline.
Comment: This sequence change creates a premature translational stop signal (p.Lys262*) in the CLN3 gene. It is expected to result in an absent or disrupted protein product. Loss-of-function variants in CLN3 are known to be pathogenic (PMID: 9311735, 28542676). This variant is not present in population databases (gnomAD no frequency). This premature translational stop signal has been observed in individual(s) with early-onset retinal dystrophies (PMID: 24625443). ClinVar contains an entry for this variant (Variation ID: 420007). For these reasons, this variant has been classified as Pathogenic.

3billion
Classification: Pathogenic for Neuronal ceroid lipofuscinosis 3. Last evaluated: 2022-03-22. Review status: criteria provided, single submitter. Criteria: ACMG Guidelines, 2015. Collection method: clinical testing. Allele origin: germline. Affected: yes. Observed: 1 homozygote.
Comment: Stop-gained (nonsense): predicted to result in a loss or disruption of normal protein function through nonsense-mediated decay (NMD) or protein truncation. Multiple pathogenic variants are reported downstream of the variant. The variant has been reported at least twice as pathogenic/likely pathogenic with clinical assertions and evidence for the classification (ClinVar ID: VCV000420007, PMID:24625443). It is not observed in the gnomAD v2.1.1 dataset. Therefore, this variant is classified as pathogenic according to the recommendation of ACMG/AMP guideline.

Genome-Nilou Lab
Classification: Pathogenic for Neuronal ceroid lipofuscinosis 3. Last evaluated: 2021-08-10. Review status: criteria provided, single submitter. Criteria: ACMG Guidelines, 2015. Collection method: clinical testing. Allele origin: germline. Affected: no.

GeneDx
Classification: Pathogenic. Last evaluated: 2018-01-31. Review status: criteria provided, single submitter. Criteria: GeneDx Variant Classification (06012015). Collection method: clinical testing. Allele origin: germline. Affected: yes.
Comment: The K262X nonsense variant in the CLN3 gene has been reported previously as a homozygous variant in an individual with a clinical diagnosis of Batten disease (Coppieters et al., 2014). This pathogenic variant is predicted to cause loss of normal protein function either through protein truncation or nonsense-mediated mRNA decay. Furthermore, the K262X variant is not observed in large population cohorts (Lek et al., 2016; 1000 Genomes Consortium et al., 2015; Exome Variant Server). Therefore, we interpret K262X as a pathogenic variant.

Literature cited by the submitters: PubMed 24625443 (cited by 3 submitters); PubMed 9311735 (cited by Labcorp Genetics (formerly Invitae), Labcorp); PubMed 28542676 (cited by Labcorp Genetics (formerly Invitae), Labcorp).